The following is an entry in ClinVar:

ClinVar aggregate classification (germline): Uncertain significance. Review status: criteria provided, multiple submitters, no conflicts (2 of 4 stars). 2 submissions from 2 submitters: Uncertain significance (2). Last evaluated 2025-11-05.

Conditions:
Charcot-Marie-Tooth disease type 2. Also called: Charcot-Marie-Tooth type 2. Identifiers: Orphanet 64746, MedGen C0270914, MONDO:0018993.

Submissions (2):

Labcorp Genetics (formerly Invitae), Labcorp
Classification: Uncertain significance for Charcot-Marie-Tooth disease type 2. Last evaluated: 2025-11-05. Review status: criteria provided, single submitter. Criteria: Invitae Variant Classification Sherloc (09022015). Collection method: clinical testing. Allele origin: germline.
Comment: This sequence change replaces aspartic acid, which is acidic and polar, with glutamic acid, which is acidic and polar, at codon 900 of the KIF1B protein (p.Asp900Glu). This variant is not present in population databases (gnomAD no frequency). This variant has not been reported in the literature in individuals affected with KIF1B-related conditions. ClinVar contains an entry for this variant (Variation ID: 3288373). An algorithm developed to predict the effect of missense changes on protein structure and function (PolyPhen-2) suggests that this variant is likely to be disruptive. In summary, the available evidence is currently insufficient to determine the role of this variant in disease. Therefore, it has been classified as a Variant of Uncertain Significance.

Ambry Genetics
Classification: Uncertain significance. Last evaluated: 2024-03-21. Review status: criteria provided, single submitter. Criteria: Ambry Variant Classification Scheme 2023. Collection method: clinical testing. Allele origin: germline.
Comment: The p.D900E variant (also known as c.2700C>A), located in coding exon 24 of the KIF1B gene, results from a C to A substitution at nucleotide position 2700. The aspartic acid at codon 900 is replaced by glutamic acid, an amino acid with highly similar properties. This amino acid position is conserved. In addition, the in silico prediction for this alteration is inconclusive. Based on the available evidence, the clinical significance of this alteration remains unclear.

NM_001365951.3(KIF1B):c.2838C>A (p.Asp946Glu)

Genes: KIF1B (kinesin family member 1B; plus strand), LOC126805614 (BRD4-independent group 4 enhancer GRCh37_chr1:10385546-10386745; plus strand). Cytogenetic location: 1p36.22.
Variant type: single nucleotide variant.
Coding change: c.2838C>A on transcript NM_001365951.3 (MANE Select); coding-DNA position 2838, C replaced by A.
Protein change: p.Asp946Glu; replaces aspartic acid 946 with glutamic acid.
Molecular consequence: missense variant.
Genome position (GRCh38, 1-based): chr1:10,326,273, C>A. VCF-style: chr1-10326273-C-A. GRCh37 (hg19) VCF-style: chr1-10386331-C-A.
Other names: c.2838C>A, p.Asp946Glu (NM_001365952.1); c.2700C>A, p.Asp900Glu (NM_015074.3); short protein forms D900E, D946E.
Identifiers: ClinVar variation 3288373 (VCV003288373.3).